The following is an entry in ClinVar:

ClinVar aggregate classification (germline): Benign/Likely benign. Review status: criteria provided, multiple submitters, no conflicts (2 of 4 stars). 3 submissions from 3 submitters: Benign (1); Likely benign (2). Last evaluated 2025-01-14.

Conditions:
Hereditary cancer-predisposing syndrome. Also called: Hereditary Cancer Syndrome; Neoplastic Syndromes, Hereditary; Tumor predisposition; Hereditary neoplastic syndrome. Identifiers: Orphanet 140162, MedGen C0027672, MeSH D009386, MONDO:0015356.
Familial cancer of breast. Also called: BREAST CANCER, FAMILIAL; Hereditary breast cancer; hereditary breast carcinoma. Identifiers: Orphanet 227535, MedGen C0346153, MONDO:0016419, OMIM 114480. Disease mechanism: loss of function.

Allele frequency attached by ClinVar (database versions not stated): gnomAD exomes below 0.00001 and 0.00001; ExAC 0.00001.
gnomAD v4.1: 3 of 1,614,134 alleles (0.00019%); highest among the groups gnomAD compares: Non-Finnish European, 0.00025%; no homozygotes.

Submissions (3):

Myriad Genetics, Inc.
Classification: Benign for Familial cancer of breast. Last evaluated: 2025-01-14. Review status: criteria provided, single submitter. Criteria: Myriad Autosomal Dominant, Autosomal Recessive and X-Linked Classification Criteria (2023). Collection method: clinical testing. Allele origin: unknown.
Comment: This variant is considered benign. This variant is a silent/synonymous amino acid change and it is not expected to impact splicing.

Labcorp Genetics (formerly Invitae), Labcorp
Classification: Likely benign for Familial cancer of breast. Last evaluated: 2024-10-04. Review status: criteria provided, single submitter. Criteria: Invitae Variant Classification Sherloc (09022015). Collection method: clinical testing. Allele origin: germline.

Ambry Genetics
Classification: Likely benign for Hereditary cancer-predisposing syndrome. Last evaluated: 2016-10-12. Review status: criteria provided, single submitter. Criteria: Ambry Variant Classification Scheme 2023. Collection method: clinical testing. Allele origin: germline.

NM_024675.4(PALB2):c.1620C>T (p.Asn540=)

Gene: PALB2 (partner and localizer of BRCA2; minus strand). Cytogenetic location: 16p12.2.
Variant type: single nucleotide variant.
Coding change: c.1620C>T on transcript NM_024675.4 (MANE Select); coding-DNA position 1620, C replaced by T.
Protein change: p.Asn540=; no amino-acid change (asparagine 540 retained).
Molecular consequence: synonymous variant.
Genome position (GRCh38, 1-based): chr16:23,634,926, G>A on the plus strand (C>T on the coding strand, the complement: PALB2 is on the minus strand). VCF-style: chr16-23634926-G-A. GRCh37 (hg19) VCF-style: chr16-23646247-G-A.
Identifiers: ClinVar variation 480270 (VCV000480270.11), dbSNP rs771815436, ClinGen allele CA7963691.